The following is an entry in ClinVar:

NM_001365480.1(CCDC88A):c.1919A>G (p.Glu640Gly)

Gene: CCDC88A (coiled-coil and HOOK domain protein 88A; minus strand). Cytogenetic location: 2p16.1.
Variant type: single nucleotide variant.
Coding change: c.1919A>G on transcript NM_001365480.1 (MANE Select); coding-DNA position 1919, A replaced by G.
Protein change: p.Glu640Gly; replaces glutamic acid 640 with glycine.
Molecular consequence: missense variant.
Genome position (GRCh38, 1-based): chr2:55,334,902, T>C on the plus strand (A>G on the coding strand, the complement: CCDC88A is on the minus strand). VCF-style: chr2-55334902-T-C. GRCh37 (hg19) VCF-style: chr2-55562038-T-C.
Other names: c.1919A>G, p.Glu640Gly (NM_001135597.2, NM_001254943.2, NM_018084.5); short protein forms E640G.
Identifiers: ClinVar variation 4724280 (VCV004724280.1).
Genomic context (GRCh38, chr2:55,334,902, plus strand): 5'-GCCTCAATTTTTTCACAAGTAATTTTTAAATTAGTTATTTTTTTCTGTAATAATTCATTT[T>C]CTTTTTCAAGATGATGCAATTCATTTTCAAGTTCTTCAGCTCGTTCTCCTTTTTCTTTAT-3'
Protein context (NP_001352409.1, residues 630-650): LENELHHLEK[Glu640Gly]NELLQKKITN

ClinVar aggregate classification (germline): Uncertain significance (1 of 4 stars; one submission).

gnomAD v4.1: 1 of 1,518,114 alleles (0.000066%); no homozygotes.

Submission:

Labcorp Genetics (formerly Invitae), Labcorp
Classification: Uncertain significance. Last evaluated: 2025-08-07. Review status: criteria provided, single submitter. Criteria: Invitae Variant Classification Sherloc (09022015). Collection method: clinical testing. Allele origin: germline.
Comment: This sequence change replaces glutamic acid, which is acidic and polar, with glycine, which is neutral and non-polar, at codon 640 of the CCDC88A protein (p.Glu640Gly). This variant is present in population databases (no rsID available, gnomAD 0.005%). This variant has not been reported in the literature in individuals affected with CCDC88A-related conditions. An algorithm developed to predict the effect of missense changes on protein structure and function (PolyPhen-2) suggests that this variant is likely to be disruptive. In summary, the available evidence is currently insufficient to determine the role of this variant in disease. Therefore, it has been classified as a Variant of Uncertain Significance.